The following is an entry in ClinVar:

ClinVar aggregate classification (germline): Uncertain significance. Review status: criteria provided, multiple submitters, no conflicts (2 of 4 stars). 2 submissions from 2 submitters: Uncertain significance (2). Last evaluated 2025-06-10.

Conditions:
Inborn genetic diseases. Identifiers: MedGen C0950123, MeSH D030342.
3-methylglutaconic aciduria with deafness, encephalopathy, and Leigh-like syndrome (MEGDEL). Also called: SERAC1 Deficiency; MEGDEL syndrome; 3-METHYLGLUTACONIC ACIDURIA, TYPE VI. Identifiers: Orphanet 352328, MedGen C4040739, MONDO:0013875, OMIM 614739.

Allele frequency attached by ClinVar (database versions not stated): gnomAD 0.00002; gnomAD exomes 0.00005 and 0.00009; ExAC 0.00008; 1000 Genomes Project 30x 0.00016; 1000 Genomes Project 0.00020.
gnomAD v4.1: 75 of 1,612,176 alleles (0.0047%); highest among the groups gnomAD compares: South Asian, 0.079%; 1 homozygote.

Submissions (2):

Ambry Genetics
Classification: Uncertain significance for Inborn genetic diseases. Last evaluated: 2025-06-10. Review status: criteria provided, single submitter. Criteria: Ambry Variant Classification Scheme 2023. Collection method: clinical testing. Allele origin: germline.

Labcorp Genetics (formerly Invitae), Labcorp
Classification: Uncertain significance for 3-methylglutaconic aciduria with deafness, encephalopathy, and Leigh-like syndrome. Last evaluated: 2025-03-10. Review status: criteria provided, single submitter. Criteria: Invitae Variant Classification Sherloc (09022015). Collection method: clinical testing. Allele origin: germline.
Comment: This sequence change replaces proline, which is neutral and non-polar, with serine, which is neutral and polar, at codon 195 of the SERAC1 protein (p.Pro195Ser). This variant is present in population databases (rs546374310, gnomAD 0.08%). This variant has not been reported in the literature in individuals affected with SERAC1-related conditions. ClinVar contains an entry for this variant (Variation ID: 1431693). Invitae Evidence Modeling of protein sequence and biophysical properties (such as structural, functional, and spatial information, amino acid conservation, physicochemical variation, residue mobility, and thermodynamic stability) indicates that this missense variant is not expected to disrupt SERAC1 protein function with a negative predictive value of 80%. In summary, the available evidence is currently insufficient to determine the role of this variant in disease. Therefore, it has been classified as a Variant of Uncertain Significance.

NM_032861.4(SERAC1):c.583C>T (p.Pro195Ser)

Gene: SERAC1 (serine active site containing 1; minus strand). Cytogenetic location: 6q25.3.
Variant type: single nucleotide variant.
Coding change: c.583C>T on transcript NM_032861.4 (MANE Select); coding-DNA position 583, C replaced by T.
Protein change: p.Pro195Ser; replaces proline 195 with serine.
Molecular consequence: missense variant. On other transcripts: non-coding transcript variant (1).
Genome position (GRCh38, 1-based): chr6:158,144,325, G>A on the plus strand (C>T on the coding strand, the complement: SERAC1 is on the minus strand). VCF-style: chr6-158144325-G-A. GRCh37 (hg19) VCF-style: chr6-158565357-G-A.
Other names: c.583C>T (NM_032861.3); short protein forms P195S.
Identifiers: ClinVar variation 1431693 (VCV001431693.10), dbSNP rs546374310, ClinGen allele CA4071313.